The following is an entry in ClinVar:

NM_032119.4(ADGRV1):c.1603C>T (p.Arg535Ter)

Gene: ADGRV1 (adhesion G protein-coupled receptor V1; plus strand). Cytogenetic location: 5q14.3.
Variant type: single nucleotide variant.
Coding change: c.1603C>T on transcript NM_032119.4 (MANE Select); coding-DNA position 1603, C replaced by T.
Protein change: p.Arg535Ter; replaces arginine 535 with a stop codon.
Molecular consequence: nonsense. On other transcripts: non-coding transcript variant (1).
Genome position (GRCh38, 1-based): chr5:90,629,303, C>T. VCF-style: chr5-90629303-C-T. GRCh37 (hg19) VCF-style: chr5-89925120-C-T.
Other names: short protein forms R535*.
Identifiers: ClinVar variation 1959576 (VCV001959576.6), dbSNP rs746004086, ClinGen allele CA121826751.

ClinVar aggregate classification (germline): Pathogenic/Likely pathogenic. Review status: criteria provided, multiple submitters, no conflicts (2 of 4 stars). 2 submissions from 2 submitters: Pathogenic (1); Likely pathogenic (1). Last evaluated 2022-02-23.

Conditions:
ADGRV1-related disorder. Also called: ADGRV1-related condition; ADGRV1-related disorders.

Allele frequency attached by ClinVar (database versions not stated): gnomAD exomes 0.00001; TOPMed 0.00001.
gnomAD v4.1: 12 of 1,613,324 alleles (0.00074%); highest among the groups gnomAD compares: African/African-American, 0.0013%; no homozygotes.

Submissions (2):

Labcorp Genetics (formerly Invitae), Labcorp
Classification: Pathogenic. Last evaluated: 2022-02-23. Review status: criteria provided, single submitter. Criteria: Invitae Variant Classification Sherloc (09022015). Collection method: clinical testing. Allele origin: germline.
Comment: For these reasons, this variant has been classified as Pathogenic. This variant has not been reported in the literature in individuals affected with ADGRV1-related conditions. This variant is not present in population databases (gnomAD no frequency). This sequence change creates a premature translational stop signal (p.Arg535*) in the ADGRV1 gene. It is expected to result in an absent or disrupted protein product. Loss-of-function variants in ADGRV1 are known to be pathogenic (PMID: 19357117, 22135276, 22147658, 26226137, 26667666, 30029497, 32467589).

Blueprint Genetics
Classification: Likely pathogenic for ADGRV1-related disorders. Last evaluated: 2019-08-22. Review status: criteria provided, single submitter. Criteria: ACMG Guidelines, 2015. Collection method: clinical testing. Allele origin: germline. Affected: yes. Observed: 1 variant allele.

Literature cited by the submitters: PubMed 19357117 (cited by Labcorp Genetics (formerly Invitae), Labcorp); PubMed 22135276 (cited by Labcorp Genetics (formerly Invitae), Labcorp); PubMed 22147658 (cited by Labcorp Genetics (formerly Invitae), Labcorp); PubMed 26226137 (cited by Labcorp Genetics (formerly Invitae), Labcorp); PubMed 26667666 (cited by Labcorp Genetics (formerly Invitae), Labcorp); PubMed 30029497 (cited by Labcorp Genetics (formerly Invitae), Labcorp); PubMed 32467589 (cited by Labcorp Genetics (formerly Invitae), Labcorp).